The following is an entry in ClinVar:

ClinVar aggregate classification (germline): Likely pathogenic. Review status: criteria provided, multiple submitters, no conflicts (2 of 4 stars). 2 submissions from 2 submitters: Likely pathogenic (2). Last evaluated 2024-05-27.

Conditions:
Hereditary cancer-predisposing syndrome. Also called: Neoplastic Syndromes, Hereditary; Tumor predisposition; Hereditary Cancer Syndrome; Hereditary neoplastic syndrome. Identifiers: Orphanet 140162, MedGen C0027672, MeSH D009386, MONDO:0015356.
Ataxia-telangiectasia syndrome (AT). Also called: ATAXIA-TELANGIECTASIA, COMPLEMENTATION GROUP A; ATAXIA-TELANGIECTASIA, FRESNO VARIANT; Ataxia-telangiectasia; Ataxia-telangiectasia, complementation group D; AT, COMPLEMENTATION GROUP C; Ataxia-telangiectasia, complementation group E. Identifiers: Orphanet 100, MedGen C0004135, MONDO:0008840, OMIM 208900.

gnomAD v4.1: 1 of 1,613,884 alleles (0.000062%); no homozygotes.

Submissions (2):

Labcorp Genetics (formerly Invitae), Labcorp
Classification: Likely pathogenic for Ataxia-telangiectasia syndrome. Last evaluated: 2024-05-27. Review status: criteria provided, single submitter. Criteria: Invitae Variant Classification Sherloc (09022015). Collection method: clinical testing. Allele origin: germline.
Comment: This sequence change affects an acceptor splice site in intron 16 of the ATM gene. It is expected to disrupt RNA splicing. Variants that disrupt the donor or acceptor splice site typically lead to a loss of protein function (PMID: 16199547), and loss-of-function variants in ATM are known to be pathogenic (PMID: 23807571, 25614872). This variant is not present in population databases (gnomAD no frequency). This variant has not been reported in the literature in individuals affected with ATM-related conditions. ClinVar contains an entry for this variant (Variation ID: 524292). Algorithms developed to predict the effect of sequence changes on RNA splicing suggest that this variant may disrupt the consensus splice site. In summary, the currently available evidence indicates that the variant is pathogenic, but additional data are needed to prove that conclusively. Therefore, this variant has been classified as Likely Pathogenic.

Ambry Genetics
Classification: Likely pathogenic for Hereditary cancer-predisposing syndrome. Last evaluated: 2020-02-06. Review status: criteria provided, single submitter. Criteria: Ambry Variant Classification Scheme 2023. Collection method: clinical testing. Allele origin: germline.
Comment: The c.2467-2A>T intronic variant results from an A to T substitution two nucleotides upstream from coding exon 16 in the ATM gene. This nucleotide position is well conserved in available vertebrate species. This variant is considered to be rare based on population cohorts in the Genome Aggregation Database (gnomAD). In silico splice site analysis predicts that this alteration will weaken the native splice acceptor site and will result in the creation or strengthening of a novel splice acceptor site. RNA studies have demonstrated that this alteration results in abnormal splicing in the set of samples tested (Ambry internal data). Alterations that disrupt the canonical splice site are expected to cause aberrant splicing, resulting in an abnormal protein or a transcript that is subject to nonsense-mediated mRNA decay. As such, this alteration is classified as likely pathogenic.

Literature cited by the submitters: PubMed 16199547 (cited by Labcorp Genetics (formerly Invitae), Labcorp); PubMed 23807571 (cited by Labcorp Genetics (formerly Invitae), Labcorp); PubMed 25614872 (cited by Labcorp Genetics (formerly Invitae), Labcorp).

NM_000051.4(ATM):c.2467-2A>T

Gene: ATM (ATM serine/threonine kinase; plus strand). Cytogenetic location: 11q22.3.
Variant type: single nucleotide variant.
Coding change: c.2467-2A>T on transcript NM_000051.4 (MANE Select); the canonical splice acceptor site of the intron before coding-DNA position 2467, A replaced by T.
Molecular consequence: splice acceptor variant.
Genome position (GRCh38, 1-based): chr11:108,267,169, A>T. VCF-style: chr11-108267169-A-T. GRCh37 (hg19) VCF-style: chr11-108137896-A-T.
Other names: c.2467-2A>T (NM_001351834.2).
Identifiers: ClinVar variation 524292 (VCV000524292.10), dbSNP rs1555082050, ClinGen allele CA382543077.